The following is an entry in ClinVar:

ClinVar aggregate classification (germline): Likely benign (0 of 4 stars; one submission).

Conditions:
ARHGEF28-related disorder. Also called: ARHGEF28-related condition.

gnomAD v4.1: 27 of 1,613,334 alleles (0.0017%); highest among the groups gnomAD compares: Non-Finnish European, 0.0022%; no homozygotes.

Submission:

PreventionGenetics, part of Exact Sciences
Classification: Likely benign for ARHGEF28-related condition. Last evaluated: 2022-10-04. Review status: no assertion criteria provided. Collection method: clinical testing. Allele origin: germline.
Comment: This variant is classified as likely benign based on ACMG/AMP sequence variant interpretation guidelines (Richards et al. 2015 PMID: 25741868, with internal and published modifications).

NM_001177693.2(ARHGEF28):c.3276T>C (p.Leu1092=)

Gene: ARHGEF28 (Rho guanine nucleotide exchange factor 28; plus strand). Cytogenetic location: 5q13.2.
Variant type: single nucleotide variant.
Coding change: c.3276T>C on transcript NM_001177693.2 (MANE Select); coding-DNA position 3276, T replaced by C.
Protein change: p.Leu1092=; no amino-acid change (leucine 1092 retained).
Molecular consequence: synonymous variant.
Genome position (GRCh38, 1-based): chr5:73,886,070, T>C. VCF-style: chr5-73886070-T-C. GRCh37 (hg19) VCF-style: chr5-73181895-T-C.
Other names: c.3276T>C, p.Leu1092= (NM_001080479.3, NM_001388078.1); c.2337T>C, p.Leu779= (NM_001244364.2); c.2982T>C, p.Leu994= (NM_001388076.1).
Identifiers: ClinVar variation 3357981 (VCV003357981.1).